The following is an entry in ClinVar:

NM_000719.7(CACNA1C):c.478-137C>T

Gene: CACNA1C (calcium voltage-gated channel subunit alpha1 C; plus strand). Cytogenetic location: 12p13.33.
Variant type: single nucleotide variant.
Coding change: c.478-137C>T on transcript NM_000719.7 (MANE Select); 137 bases into the intron before coding-DNA position 478, C replaced by T.
Molecular consequence: intron variant.
Genome position (GRCh38, 1-based): chr12:2,448,839, C>T. VCF-style: chr12-2448839-C-T. GRCh37 (hg19) VCF-style: chr12-2558005-C-T.
Other names: c.478-137C>T (NM_001167624.3, NM_001167623.2, NM_001167625.2 and 19 more transcripts).
Identifiers: ClinVar variation 671976 (VCV000671976.5), dbSNP rs7303824, ClinGen allele CA231563591.

ClinVar aggregate classification (germline): Benign. Review status: criteria provided, multiple submitters, no conflicts (2 of 4 stars). 2 submissions from 2 submitters: Benign (2). Last evaluated 2019-12-31.

Conditions:
Long QT syndrome (LQTS). Identifiers: MedGen C0023976, MeSH D008133, MONDO:0002442. Disease mechanism: loss of function. Inheritance: Various modes of inheritance.

Allele frequency attached by ClinVar (database versions not stated): gnomAD exomes 0.06082; gnomAD 0.09932 and 0.09979; TOPMed 0.10032; 1000 Genomes Project 0.13698; 1000 Genomes Project 30x 0.13757.
gnomAD v4.1: 44,614 of 637,512 alleles (7%); highest among the groups gnomAD compares: African/African-American, 22%; 2,656 homozygotes.

Submissions (2):

Labcorp Genetics (formerly Invitae), Labcorp
Classification: Benign for Long QT syndrome. Last evaluated: 2019-12-31. Review status: criteria provided, single submitter. Criteria: Invitae Variant Classification Sherloc (09022015). Collection method: clinical testing. Allele origin: germline.

GeneDx
Classification: Benign. Last evaluated: 2018-06-14. Review status: criteria provided, single submitter. Criteria: GeneDx Variant Classification (06012015). Collection method: clinical testing. Allele origin: germline. Affected: yes.
Comment: This variant is considered likely benign or benign based on one or more of the following criteria: it is a conservative change, it occurs at a poorly conserved position in the protein, it is predicted to be benign by multiple in silico algorithms, and/or has population frequency not consistent with disease.